The following is an entry in ClinVar:

NM_002458.3(MUC5B):c.15560G>A (p.Arg5187His)

Gene: MUC5B (mucin 5B, oligomeric mucus/gel-forming; plus strand). Cytogenetic location: 11p15.5.
Variant type: single nucleotide variant.
Coding change: c.15560G>A on transcript NM_002458.3 (MANE Select); coding-DNA position 15560, G replaced by A.
Protein change: p.Arg5187His; replaces arginine 5187 with histidine.
Molecular consequence: missense variant.
Genome position (GRCh38, 1-based): chr11:1,254,776, G>A. VCF-style: chr11-1254776-G-A. GRCh37 (hg19) VCF-style: chr11-1276006-G-A.
Other names: short protein forms R5187H.
Identifiers: ClinVar variation 504736 (VCV000504736.12), dbSNP rs201530874, ClinGen allele CA5809103.

ClinVar aggregate classification (germline): Benign/Likely benign. Review status: criteria provided, multiple submitters, no conflicts (2 of 4 stars). 4 submissions from 4 submitters: Benign (3); Likely benign (1). Last evaluated 2026-04-01.

Allele frequency attached by ClinVar (database versions not stated): ESP Exome Variant Server 0.00117; gnomAD 0.00178 and 0.00212; TOPMed 0.00183; gnomAD exomes 0.00190 and 0.00291; ExAC 0.00276; 1000 Genomes Project 30x 0.00312; 1000 Genomes Project 0.00319.
gnomAD v4.1: 3,186 of 1,612,882 alleles (0.2%); highest among the groups gnomAD compares: Middle Eastern, 1.4%; 20 homozygotes.

Submissions (4):

CeGaT Center for Human Genetics Tuebingen
Classification: Likely benign. Last evaluated: 2026-04-01. Review status: criteria provided, single submitter. Criteria: CeGaT Center For Human Genetics Tuebingen Variant Classification Criteria Version 2. Collection method: clinical testing. Allele origin: germline. Affected: yes. Observed: 2 variant alleles.
Comment: MUC5B: BP4, BS2

Labcorp Genetics (formerly Invitae), Labcorp
Classification: Benign. Last evaluated: 2018-08-22. Review status: criteria provided, single submitter. Criteria: Invitae Variant Classification Sherloc (09022015). Collection method: clinical testing. Allele origin: germline.

Laboratory for Molecular Medicine, Mass General Brigham Personalized Medicine
Classification: Benign. Last evaluated: 2017-04-10. Review status: criteria provided, single submitter. Criteria: LMM Criteria. Collection method: clinical testing. Allele origin: germline. Observed: 1 variant allele.
Comment: p.Arg5187His in exon 35 of MUC5B: This variant is not expected to have clinical significance because it has been identified in 0.9% (264/30774) of South Asian c hromosomes and 1.6% (159/10110) of Ashkenazi Jewish chromosomes, including 4 hom ozygotes, by the Genome Aggregation Database (gnomAD; dbSNP rs201530874).

Breakthrough Genomics
Classification: Benign. Review status: criteria provided, single submitter. Criteria: ACMG Guidelines, 2015. Collection method: not provided. Allele origin: germline. Inheritance: Autosomal dominant inheritance. Affected: yes.

Literature cited by the submitters: PubMed 26905423 (cited by Laboratory for Molecular Medicine, Mass General Brigham Personalized Medicine); PubMed 28050010 (cited by Laboratory for Molecular Medicine, Mass General Brigham Personalized Medicine).